The following is an entry in ClinVar:

NM_016151.4(TAOK2):c.1147G>A (p.Glu383Lys)

Gene: TAOK2 (TAO kinase 2; plus strand). Cytogenetic location: 16p11.2.
Variant type: single nucleotide variant.
Coding change: c.1147G>A on transcript NM_016151.4 (MANE Select); coding-DNA position 1147, G replaced by A.
Protein change: p.Glu383Lys; replaces glutamic acid 383 with lysine.
Molecular consequence: missense variant.
Genome position (GRCh38, 1-based): chr16:29,983,219, G>A. VCF-style: chr16-29983219-G-A. GRCh37 (hg19) VCF-style: chr16-29994540-G-A.
Other names: c.1147G>A, p.Glu383Lys (NM_001252043.2, NM_004783.4); short protein forms E383K.
Identifiers: ClinVar variation 1503151 (VCV001503151.6), dbSNP rs2069673481, ClinGen allele CA395480448.

ClinVar aggregate classification (germline): Uncertain significance (1 of 4 stars; one submission).

Allele frequency attached by ClinVar (database versions not stated): gnomAD exomes below 0.00001.

Submission:

Labcorp Genetics (formerly Invitae), Labcorp
Classification: Uncertain significance. Last evaluated: 2021-11-12. Review status: criteria provided, single submitter. Criteria: Invitae Variant Classification Sherloc (09022015). Collection method: clinical testing. Allele origin: germline.
Comment: This sequence change replaces glutamic acid, which is acidic and polar, with lysine, which is basic and polar, at codon 383 of the TAOK2 protein (p.Glu383Lys). This variant is not present in population databases (gnomAD no frequency). This variant has not been reported in the literature in individuals affected with TAOK2-related conditions. Algorithms developed to predict the effect of missense changes on protein structure and function are either unavailable or do not agree on the potential impact of this missense change (SIFT: "Tolerated"; PolyPhen-2: "Probably Damaging"; Align-GVGD: "Class C0"). In summary, the available evidence is currently insufficient to determine the role of this variant in disease. Therefore, it has been classified as a Variant of Uncertain Significance.